The following is an entry in ClinVar:

ClinVar aggregate classification (germline): Uncertain significance (1 of 4 stars; one submission).

Allele frequency attached by ClinVar (database versions not stated): gnomAD 0.00001; TOPMed 0.00001; ExAC 0.00002; gnomAD exomes 0.00004.
gnomAD v4.1: 64 of 1,613,668 alleles (0.004%); highest among the groups gnomAD compares: Non-Finnish European, 0.005%; no homozygotes.

Submission:

Labcorp Genetics (formerly Invitae), Labcorp
Classification: Uncertain significance. Last evaluated: 2022-04-20. Review status: criteria provided, single submitter. Criteria: Invitae Variant Classification Sherloc (09022015). Collection method: clinical testing. Allele origin: germline.
Comment: This sequence change replaces threonine, which is neutral and polar, with arginine, which is basic and polar, at codon 2908 of the PCLO protein (p.Thr2908Arg). This variant is present in population databases (rs768208200, gnomAD 0.006%). This variant has not been reported in the literature in individuals affected with PCLO-related conditions. Algorithms developed to predict the effect of missense changes on protein structure and function are either unavailable or do not agree on the potential impact of this missense change (SIFT: "Deleterious"; PolyPhen-2: "Not Available"; Align-GVGD: "Class C0"). In summary, the available evidence is currently insufficient to determine the role of this variant in disease. Therefore, it has been classified as a Variant of Uncertain Significance.

NM_033026.6(PCLO):c.8723C>G (p.Thr2908Arg)

Gene: PCLO (piccolo presynaptic cytomatrix protein; minus strand). Cytogenetic location: 7q21.11.
Variant type: single nucleotide variant.
Coding change: c.8723C>G on transcript NM_033026.6 (MANE Select); coding-DNA position 8723, C replaced by G.
Protein change: p.Thr2908Arg; replaces threonine 2908 with arginine.
Molecular consequence: missense variant.
Genome position (GRCh38, 1-based): chr7:82,952,230, G>C on the plus strand (C>G on the coding strand, the complement: PCLO is on the minus strand). VCF-style: chr7-82952230-G-C. GRCh37 (hg19) VCF-style: chr7-82581546-G-C.
Other names: c.8723C>G, p.Thr2908Arg (NM_014510.3); short protein forms T2908R.
Identifiers: ClinVar variation 1925134 (VCV001925134.2), dbSNP rs768208200, ClinGen allele CA4320078.